The following is an entry in ClinVar:

NM_013254.4(TBK1):c.1293_1297del (p.Leu432fs)

Gene: TBK1 (TANK binding kinase 1; plus strand). Cytogenetic location: 12q14.2.
Variant type: Deletion.
Coding change: c.1293_1297del on transcript NM_013254.4 (MANE Select); coding-DNA positions 1293 to 1297, 5 bases deleted (CTTAC; older notation c.1293_1297delCTTAC).
Protein change: p.Leu432fs; shifts the reading frame from leucine 432.
Molecular consequence: frameshift variant.
Genome position (GRCh38, 1-based): chr12:64,485,970-64,485,974, CTTAC deleted; deleting any 5 consecutive bases within chr12:64,485,967-64,485,974 gives the same sequence; the c. name uses the placement nearest the transcript's 3' end. VCF-style (leftmost placement, unchanged base first): chr12-64485966-GTACCT-G. GRCh37 (hg19) VCF-style: chr12-64879746-GTACCT-G.
Other names: short protein forms L432fs.
Identifiers: ClinVar variation 5005150 (VCV005005150.2).

ClinVar aggregate classification (germline): Likely pathogenic (1 of 4 stars; one submission).

Conditions:
Autoinflammation with arthritis and vasculitis. Identifiers: MedGen C5935634, MONDO:0971173, OMIM 620880.
Encephalopathy, acute, infection-induced (herpes-specific), susceptibility to, 8. Also called: HERPES SIMPLEX ENCEPHALITIS, SUSCEPTIBILITY TO, 6. Identifiers: MedGen C4693542, MONDO:0054754, OMIM 617900.
Frontotemporal dementia and/or amyotrophic lateral sclerosis 4. Also called: FTDALS4. Identifiers: Orphanet 275872, MedGen C4225325, MONDO:0014641, OMIM 616439.

Submission:

Juno Genomics, Hangzhou Juno Genomics, Inc
Classification: Likely pathogenic for Autoinflammation with arthritis and vasculitis; Encephalopathy, acute, infection-induced (herpes-specific), susceptibility to, 8; Frontotemporal dementia and/or amyotrophic lateral sclerosis 4. Review status: criteria provided, single submitter. Criteria: ACMG Guidelines, 2015. Collection method: clinical testing. Allele origin: germline.
Comment: Null variant in a gene where loss of function (LOF) is a known mechanism of disease.;Absent from controls (or at extremely low frequency if recessive) in Genome Aggregation Database.